The following is an entry in ClinVar:

NM_000257.4(MYH7):c.4880T>G (p.Ile1627Ser)

Genes: MHRT (myosin heavy chain associated RNA transcript; plus strand), MYH7 (myosin heavy chain 7; minus strand), LOC126861897 (BRD4-independent group 4 enhancer GRCh37_chr14:23884455-23885654; plus strand). Cytogenetic location: 14q11.2.
Variant type: single nucleotide variant.
Coding change: c.4880T>G on transcript NM_000257.4 (MANE Select); coding-DNA position 4880, T replaced by G.
Protein change: p.Ile1627Ser; replaces isoleucine 1627 with serine.
Molecular consequence: missense variant. On other transcripts: non-coding transcript variant (1).
Genome position (GRCh38, 1-based): chr14:23,416,077, A>C on the plus strand (T>G on the coding strand, the complement: MYH7 is on the minus strand). VCF-style: chr14-23416077-A-C. GRCh37 (hg19) VCF-style: chr14-23885286-A-C.
Other names: c.4880T>G, p.Ile1627Ser (NM_001407004.1); short protein forms I1627S.
Identifiers: ClinVar variation 3071432 (VCV003071432.1), dbSNP rs1311931350, ClinGen allele CA389037436.

ClinVar aggregate classification (germline): Uncertain significance (1 of 4 stars; one submission).

Conditions:
Cardiomyopathy (CMYO). Also called: Cardiomyopathies. Identifiers: Orphanet 167848, MedGen C0878544, MONDO:0004994, HP:0001638. Inheritance: Various modes of inheritance.

Allele frequency attached by ClinVar (database versions not stated): TOPMed below 0.00001.

Submission:

All of Us Research Program, National Institutes of Health
Classification: Uncertain significance for Cardiomyopathy. Last evaluated: 2023-05-31. Review status: criteria provided, single submitter. Criteria: ACMG Guidelines, 2015. Collection method: clinical testing. Allele origin: germline. Inheritance: Autosomal dominant inheritance. Observed: 1 variant allele, 1 heterozygote.
Comment: This study involves interpretation of variants in research participants for the purpose of population health screening. Participant phenotype was not available at the time of variant classification. Additional details can be found in publication PMID: 35346344, PMCID: PMC8962531